The following is an entry in ClinVar:

NM_030665.4(RAI1):c.1018C>A (p.Pro340Thr)

Gene: RAI1 (retinoic acid induced 1; plus strand). Cytogenetic location: 17p11.2.
Variant type: single nucleotide variant.
Coding change: c.1018C>A on transcript NM_030665.4 (MANE Select); coding-DNA position 1018, C replaced by A.
Protein change: p.Pro340Thr; replaces proline 340 with threonine.
Molecular consequence: missense variant.
Genome position (GRCh38, 1-based): chr17:17,793,966, C>A. VCF-style: chr17-17793966-C-A. GRCh37 (hg19) VCF-style: chr17-17697280-C-A.
Other names: short protein forms P340T.
Identifiers: ClinVar variation 3701545 (VCV003701545.2).
Genomic context (GRCh38, chr17:17,793,966, plus strand): 5'-GGCTACTGCCAGCCGGACGCAGCCGTCCGGACCCCAGAGCAGTACTACCAGACCTTCAGC[C>A]CCAGCTCCAGCCACTCACCCGCCCGCTCCGTGGGCCGCTCACCTTCCTACAGTTCCACAC-3'
Protein context (NP_109590.3, residues 330-350): TPEQYYQTFS[Pro340Thr]SSSHSPARSV

ClinVar aggregate classification (germline): Uncertain significance (1 of 4 stars; one submission).

Submission:

Labcorp Genetics (formerly Invitae), Labcorp
Classification: Uncertain significance. Last evaluated: 2025-10-02. Review status: criteria provided, single submitter. Criteria: Invitae Variant Classification Sherloc (09022015). Collection method: clinical testing. Allele origin: germline.
Comment: This sequence change replaces proline, which is neutral and non-polar, with threonine, which is neutral and polar, at codon 340 of the RAI1 protein (p.Pro340Thr). This variant is not present in population databases (gnomAD no frequency). This variant has not been reported in the literature in individuals affected with RAI1-related conditions. ClinVar contains an entry for this variant (Variation ID: 3701545). Invitae Evidence Modeling of protein sequence and biophysical properties (such as structural, functional, and spatial information, amino acid conservation, physicochemical variation, residue mobility, and thermodynamic stability) indicates that this missense variant is expected to disrupt RAI1 protein function with a positive predictive value of 80%. In summary, the available evidence is currently insufficient to determine the role of this variant in disease. Therefore, it has been classified as a Variant of Uncertain Significance.